The following is an entry in ClinVar:

NM_198578.4(LRRK2):c.7033T>C (p.Ser2345Pro)

Gene: LRRK2 (leucine rich repeat kinase 2; plus strand). Cytogenetic location: 12q12.
Variant type: single nucleotide variant.
Coding change: c.7033T>C on transcript NM_198578.4 (MANE Select); coding-DNA position 7033, T replaced by C.
Protein change: p.Ser2345Pro; replaces serine 2345 with proline.
Molecular consequence: missense variant.
Genome position (GRCh38, 1-based): chr12:40,363,406, T>C. VCF-style: chr12-40363406-T-C. GRCh37 (hg19) VCF-style: chr12-40757208-T-C.
Other names: short protein forms S2345P.
Identifiers: ClinVar variation 2587277 (VCV002587277.2), dbSNP rs1427335210, ClinGen allele CA384413047.
Genomic context (GRCh38, chr12:40,363,406, plus strand): 5'-AGAAATTTTAAGAAGAAAACAAATAGTGATGACTTTCTATTTTTTTTTCTCTGTAGGTTT[T>C]CTTATGCAGCTTTCAGTGATTCCAACATCATAACAGTGGTGGTAGACACTGCTCTCTATA-3'
Protein context (NP_940980.4, residues 2335-2355): LIETRTSQLF[Ser2345Pro]YAAFSDSNII

ClinVar aggregate classification (germline): Uncertain significance (1 of 4 stars; one submission).

Conditions:
Inborn genetic diseases. Identifiers: MedGen C0950123, MeSH D030342.

Allele frequency attached by ClinVar (database versions not stated): TOPMed below 0.00001; gnomAD 0.00001.
gnomAD v4.1: 1 of 1,611,264 alleles (0.000062%); highest among the groups gnomAD compares: African/African-American, 0.0013%; no homozygotes.

Submission:

Ambry Genetics
Classification: Uncertain significance for Inborn genetic diseases. Last evaluated: 2023-07-29. Review status: criteria provided, single submitter. Criteria: Ambry Variant Classification Scheme 2023. Collection method: clinical testing. Allele origin: germline.
Comment: The p.S2345P variant (also known as c.7033T>C), located in coding exon 48 of the LRRK2 gene, results from a T to C substitution at nucleotide position 7033. The serine at codon 2345 is replaced by proline, an amino acid with similar properties. This amino acid position is conserved. In addition, this alteration is predicted to be tolerated by in silico analysis. Since supporting evidence is limited at this time, the clinical significance of this alteration remains unclear.